The following is an entry in ClinVar:

NM_012309.5(SHANK2):c.3307C>G (p.Leu1103Val)

Gene: SHANK2 (SH3 and multiple ankyrin repeat domains 2; minus strand). Cytogenetic location: 11q13.3.
Variant type: single nucleotide variant.
Coding change: c.3307C>G on transcript NM_012309.5 (MANE Select); coding-DNA position 3307, C replaced by G.
Protein change: p.Leu1103Val; replaces leucine 1103 with valine.
Molecular consequence: missense variant.
Genome position (GRCh38, 1-based): chr11:70,486,986, G>C on the plus strand (C>G on the coding strand, the complement: SHANK2 is on the minus strand). VCF-style: chr11-70486986-G-C. GRCh37 (hg19) VCF-style: chr11-70333091-G-C.
Other names: c.2170C>G, p.Leu724Val (NM_001379226.1); c.1543C>G, p.Leu515Val (NM_133266.5); short protein forms L1103V, L515V, L724V.
Identifiers: ClinVar variation 2663018 (VCV002663018.2), dbSNP rs771626952, ClinGen allele CA381687133.
Genomic context (GRCh38, chr11:70,486,986, plus strand): 5'-GCCGCGTCCTGGGGGCGGGTGGCCCCAGGCCCACATCCTCATCCCCCAGGTCTGTGGAGA[G>C]GAAGGCCGGGGAGTTCCTCCTGGCTTCCAGCCGCTTCTCACGGTCGCGGACGGCTCCGGC-3'
Protein context (NP_036441.2, residues 1093-1113): LEARRNSPAF[Leu1103Val]STDLGDEDVG

ClinVar aggregate classification (germline): Uncertain significance (1 of 4 stars; one submission).

Submission:

GeneDx
Classification: Uncertain significance. Last evaluated: 2024-06-04. Review status: criteria provided, single submitter. Criteria: GeneDx Variant Classification Process June 2021. Collection method: clinical testing. Allele origin: germline.
Comment: Not observed at significant frequency in large population cohorts (gnomAD); In silico analysis indicates that this missense variant does not alter protein structure/function; Has not been previously published as pathogenic or benign to our knowledge